The following is an entry in ClinVar:

ClinVar aggregate classification (germline): Conflicting classifications of pathogenicity. Review status: criteria provided, conflicting classifications (1 of 4 stars). 2 submissions from 2 submitters: Uncertain significance (1); Likely benign (1). Last evaluated 2025-07-03.

Conditions:
Inborn genetic diseases. Identifiers: MedGen C0950123, MeSH D030342.

Allele frequency attached by ClinVar (database versions not stated): ExAC 0.00002; gnomAD exomes 0.00002 and 0.00003; gnomAD 0.00003 and 0.00004; TOPMed 0.00003.
gnomAD v4.1: 55 of 1,614,022 alleles (0.0034%); highest among the groups gnomAD compares: Non-Finnish European, 0.0043%; no homozygotes.

Submissions (2):

Ambry Genetics
Classification: Likely benign for Inborn genetic diseases. Last evaluated: 2025-07-03. Review status: criteria provided, single submitter. Criteria: Ambry Variant Classification Scheme 2023. Collection method: clinical testing. Allele origin: germline.

Labcorp Genetics (formerly Invitae), Labcorp
Classification: Uncertain significance. Last evaluated: 2022-10-05. Review status: criteria provided, single submitter. Criteria: Invitae Variant Classification Sherloc (09022015). Collection method: clinical testing. Allele origin: germline.
Comment: This sequence change replaces proline, which is neutral and non-polar, with serine, which is neutral and polar, at codon 1389 of the LAMC3 protein (p.Pro1389Ser). This variant is present in population databases (rs770428385, gnomAD 0.006%). This variant has not been reported in the literature in individuals affected with LAMC3-related conditions. ClinVar contains an entry for this variant (Variation ID: 1494304). Algorithms developed to predict the effect of missense changes on protein structure and function output the following: SIFT: "Tolerated"; PolyPhen-2: "Benign"; Align-GVGD: "Class C0". The serine amino acid residue is found in multiple mammalian species, which suggests that this missense change does not adversely affect protein function. In summary, the available evidence is currently insufficient to determine the role of this variant in disease. Therefore, it has been classified as a Variant of Uncertain Significance.

NM_006059.4(LAMC3):c.4165C>T (p.Pro1389Ser)

Gene: LAMC3 (laminin subunit gamma 3; plus strand). Cytogenetic location: 9q34.12.
Variant type: single nucleotide variant.
Coding change: c.4165C>T on transcript NM_006059.4 (MANE Select); coding-DNA position 4165, C replaced by T.
Protein change: p.Pro1389Ser; replaces proline 1389 with serine.
Molecular consequence: missense variant.
Genome position (GRCh38, 1-based): chr9:131,085,658, C>T. VCF-style: chr9-131085658-C-T. GRCh37 (hg19) VCF-style: chr9-133961045-C-T.
Other names: c.4165C>T (NM_006059.3); short protein forms P1389S.
Identifiers: ClinVar variation 1494304 (VCV001494304.4), dbSNP rs770428385, ClinGen allele CA5288067.
Genomic context (GRCh38, chr9:131,085,658, plus strand): 5'-CTCCTTGCAGACACGAGAAAGAAGACCAAGCAGGCGGAGAGGATGCTGGGAAACGCGGCC[C>T]CTCTTTCCTCCAGTGCCAAGAAGAAGGGCAGAGAAGCAGAGGTGTTGGCCAAGGACAGTG-3'
Protein context (NP_006050.3, residues 1379-1399): QAERMLGNAA[Pro1389Ser]LSSSAKKKGR